The following is an entry in ClinVar:

NM_001620.3(AHNAK):c.14496G>A (p.Leu4832=)

Gene: AHNAK (AHNAK nucleoprotein; minus strand). Cytogenetic location: 11q12.3.
Variant type: single nucleotide variant.
Coding change: c.14496G>A on transcript NM_001620.3 (MANE Select); coding-DNA position 14496, G replaced by A.
Protein change: p.Leu4832=; no amino-acid change (leucine 4832 retained).
Molecular consequence: synonymous variant. On other transcripts: intron variant (1).
Genome position (GRCh38, 1-based): chr11:62,519,921, C>T on the plus strand (G>A on the coding strand, the complement: AHNAK is on the minus strand). VCF-style: chr11-62519921-C-T. GRCh37 (hg19) VCF-style: chr11-62287393-C-T.
Other names: c.14496G>A, p.Leu4832= (NM_001346445.2, NM_001346446.2); c.342+15082G>A (NM_024060.4).
Identifiers: ClinVar variation 2641850 (VCV002641850.24), dbSNP rs1248160654, ClinGen allele CA475117610.

ClinVar aggregate classification (germline): Likely benign (1 of 4 stars; one submission).

Allele frequency attached by ClinVar (database versions not stated): 1000 Genomes Project 30x 0.00094.

Submission:

CeGaT Center for Human Genetics Tuebingen
Classification: Likely benign. Last evaluated: 2026-06-01. Review status: criteria provided, single submitter. Criteria: CeGaT Center For Human Genetics Tuebingen Variant Classification Criteria Version 2. Collection method: clinical testing. Allele origin: germline. Affected: yes. Observed: 5 variant alleles.
Comment: AHNAK: BP4, BP7